The following is an entry in ClinVar:

ClinVar aggregate classification (germline): Uncertain significance (1 of 4 stars; one submission).

Conditions:
RYR1-related disorder. Also called: RYR1-related condition; RYR1-related disorders. Identifiers: MedGen CN239331.

gnomAD v4.1: 7 of 1,547,754 alleles (0.00045%); highest among the groups gnomAD compares: Non-Finnish European, 0.00061%; no homozygotes.

Submission:

Labcorp Genetics (formerly Invitae), Labcorp
Classification: Uncertain significance for RYR1-related disorder. Last evaluated: 2024-03-21. Review status: criteria provided, single submitter. Criteria: Invitae Variant Classification Sherloc (09022015). Collection method: clinical testing. Allele origin: germline.
Comment: This sequence change replaces proline, which is neutral and non-polar, with alanine, which is neutral and non-polar, at codon 1369 of the RYR1 protein (p.Pro1369Ala). This variant is not present in population databases (gnomAD no frequency). This variant has not been reported in the literature in individuals affected with RYR1-related conditions. Advanced modeling of protein sequence and biophysical properties (such as structural, functional, and spatial information, amino acid conservation, physicochemical variation, residue mobility, and thermodynamic stability) performed at Invitae indicates that this missense variant is not expected to disrupt RYR1 protein function with a negative predictive value of 95%. In summary, the available evidence is currently insufficient to determine the role of this variant in disease. Therefore, it has been classified as a Variant of Uncertain Significance.

NM_000540.3(RYR1):c.4105C>G (p.Pro1369Ala)

Gene: RYR1 (ryanodine receptor 1; plus strand). Cytogenetic location: 19q13.2.
Variant type: single nucleotide variant.
Coding change: c.4105C>G on transcript NM_000540.3 (MANE Select); coding-DNA position 4105, C replaced by G.
Protein change: p.Pro1369Ala; replaces proline 1369 with alanine.
Molecular consequence: missense variant.
Genome position (GRCh38, 1-based): chr19:38,473,716, C>G. VCF-style: chr19-38473716-C-G. GRCh37 (hg19) VCF-style: chr19-38964356-C-G.
Other names: c.4105C>G, p.Pro1369Ala (NM_001042723.2); short protein forms P1369A.
Identifiers: ClinVar variation 3710154 (VCV003710154.2).
Genomic context (GRCh38, chr19:38,473,716, plus strand): 5'-GAAGGGACTGCGAAGGAGGGCGCCCCCGGGGGCACCCCGCAGGCGGGGGGAGAGGCGCAG[C>G]CCGCCAGGGCGGAGAATGAGAAGGATGCCACCACCGAGAAGAACAAGAAGAGAGGGTGAG-3'
Protein context (NP_000531.2, residues 1359-1379): GTPQAGGEAQ[Pro1369Ala]ARAENEKDAT